The following is an entry in ClinVar:

ClinVar aggregate classification (germline): Likely pathogenic (1 of 4 stars; one submission).

Conditions:
Hereditary spastic paraplegia 3A (SPG3A). Also called: SPASTIC PARAPLEGIA 3, AUTOSOMAL DOMINANT; FAMILIAL SPASTIC PARAPLEGIA, AUTOSOMAL DOMINANT, 1; SPG3; STRUMPELL DISEASE; Spastic Paraplegia 3A; Spastic paraplegia 3A, autosomal dominant. Identifiers: Orphanet 100984, MedGen C2931355, MONDO:0008437, OMIM 182600.

Submission:

Labcorp Genetics (formerly Invitae), Labcorp
Classification: Likely pathogenic for Hereditary spastic paraplegia 3A. Last evaluated: 2025-04-28. Review status: criteria provided, single submitter. Criteria: Invitae Variant Classification Sherloc (09022015). Collection method: clinical testing. Allele origin: germline.
Comment: This sequence change replaces isoleucine, which is neutral and non-polar, with lysine, which is basic and polar, at codon 333 of the ATL1 protein (p.Ile333Lys). This variant is not present in population databases (gnomAD no frequency). This missense change has been observed in individuals with hereditary spastic paraplegia (PMID: 26671083; internal data). Invitae Evidence Modeling of protein sequence and biophysical properties (such as structural, functional, and spatial information, amino acid conservation, physicochemical variation, residue mobility, and thermodynamic stability) indicates that this missense variant is expected to disrupt ATL1 protein function with a positive predictive value of 95%. In summary, the currently available evidence indicates that the variant is pathogenic, but additional data are needed to prove that conclusively. Therefore, this variant has been classified as Likely Pathogenic.

Literature cited by the submitters: PubMed 26671083.

NM_015915.5(ATL1):c.998T>A (p.Ile333Lys)

Gene: ATL1 (atlastin GTPase 1; plus strand). Cytogenetic location: 14q22.1.
Variant type: single nucleotide variant.
Coding change: c.998T>A on transcript NM_015915.5 (MANE Select); coding-DNA position 998, T replaced by A.
Protein change: p.Ile333Lys; replaces isoleucine 333 with lysine.
Molecular consequence: missense variant.
Genome position (GRCh38, 1-based): chr14:50,621,850, T>A. VCF-style: chr14-50621850-T-A. GRCh37 (hg19) VCF-style: chr14-51088568-T-A.
Other names: c.998T>A, p.Ile333Lys (NM_181598.4, NM_001127713.1); short protein forms I333K.
Identifiers: ClinVar variation 4710136 (VCV004710136.1).
Genomic context (GRCh38, chr14:50,621,850, plus strand): 5'-GAGGAAATATTGAATGGAATTGCTTGAACATGAATCTTTTTCTTTTTTTTTAGGCTTATA[T>A]AAAGATCTATCAAGGTGAAGAATTACCACATCCCAAATCCATGTTACAGGTATTTATTAA-3'
Protein context (NP_056999.2, residues 323-343): RGLVEYFKAY[Ile333Lys]KIYQGEELPH